The following is an entry in ClinVar:

NM_000051.4(ATM):c.1115C>T (p.Thr372Ile)

Gene: ATM (ATM serine/threonine kinase; plus strand). Cytogenetic location: 11q22.3.
Variant type: single nucleotide variant.
Coding change: c.1115C>T on transcript NM_000051.4 (MANE Select); coding-DNA position 1115, C replaced by T.
Protein change: p.Thr372Ile; replaces threonine 372 with isoleucine.
Molecular consequence: missense variant.
Genome position (GRCh38, 1-based): chr11:108,248,982, C>T. VCF-style: chr11-108248982-C-T. GRCh37 (hg19) VCF-style: chr11-108119709-C-T.
Other names: c.1115C>T, p.Thr372Ile (NM_001351834.2); short protein forms T372I.
Identifiers: ClinVar variation 845253 (VCV000845253.12), dbSNP rs765912563, ClinGen allele CA382532414.

ClinVar aggregate classification (germline): Uncertain significance. Review status: criteria provided, multiple submitters, no conflicts (2 of 4 stars). 3 submissions from 3 submitters: Uncertain significance (3). Last evaluated 2023-01-25.

Conditions:
Hereditary cancer-predisposing syndrome. Also called: Neoplastic Syndromes, Hereditary; Hereditary neoplastic syndrome; Tumor predisposition; Hereditary Cancer Syndrome. Identifiers: Orphanet 140162, MedGen C0027672, MeSH D009386, MONDO:0015356.
Ataxia-telangiectasia syndrome (AT). Also called: Ataxia-telangiectasia, complementation group D; AT, COMPLEMENTATION GROUP C; Ataxia telangiectasia (A-T); Cerebello-oculocutaneous telangiectasia; Immunodeficiency with ataxia telangiectasia; Ataxia-telangiectasia. Identifiers: Orphanet 100, MedGen C0004135, MONDO:0008840, OMIM 208900.

gnomAD v4.1: 1 of 1,612,346 alleles (0.000062%); highest among the groups gnomAD compares: Non-Finnish European, 0.000085%; no homozygotes.

Submissions (3):

Ambry Genetics
Classification: Uncertain significance for Hereditary cancer-predisposing syndrome. Last evaluated: 2023-01-25. Review status: criteria provided, single submitter. Criteria: Ambry Variant Classification Scheme 2023. Collection method: clinical testing. Allele origin: germline.
Comment: The p.T372I variant (also known as c.1115C>T), located in coding exon 8 of the ATM gene, results from a C to T substitution at nucleotide position 1115. The threonine at codon 372 is replaced by isoleucine, an amino acid with similar properties. This amino acid position is not well conserved in available vertebrate species. In addition, this alteration is predicted to be tolerated by in silico analysis. Since supporting evidence is limited at this time, the clinical significance of this alteration remains unclear.

GeneDx
Classification: Uncertain significance. Last evaluated: 2022-11-29. Review status: criteria provided, single submitter. Criteria: GeneDx Variant Classification Process June 2021. Collection method: clinical testing. Allele origin: germline. Affected: yes.
Comment: Not observed at significant frequency in large population cohorts (gnomAD); In silico analysis supports that this missense variant does not alter protein structure/function; Has not been previously published as pathogenic or benign to our knowledge; This variant is associated with the following publications: (PMID: 31382929, 25794154)

Labcorp Genetics (formerly Invitae), Labcorp
Classification: Uncertain significance for Ataxia-telangiectasia syndrome. Last evaluated: 2021-05-05. Review status: criteria provided, single submitter. Criteria: Invitae Variant Classification Sherloc (09022015). Collection method: clinical testing. Allele origin: germline.
Comment: In summary, the available evidence is currently insufficient to determine the role of this variant in disease. Therefore, it has been classified as a Variant of Uncertain Significance. Algorithms developed to predict the effect of missense changes on protein structure and function output the following: SIFT: "Tolerated"; PolyPhen-2: "Benign"; Align-GVGD: "Class C0". The isoleucine amino acid residue is found in multiple mammalian species, suggesting that this missense change does not adversely affect protein function. These predictions have not been confirmed by published functional studies and their clinical significance is uncertain. This variant has not been reported in the literature in individuals with ATM-related conditions. This variant is not present in population databases (ExAC no frequency). This sequence change replaces threonine with isoleucine at codon 372 of the ATM protein (p.Thr372Ile). The threonine residue is weakly conserved and there is a moderate physicochemical difference between threonine and isoleucine.